The following is an entry in ClinVar:

ClinVar aggregate classification (germline): Uncertain significance (1 of 4 stars; one submission).

Conditions:
DOCK2 deficiency. Also called: Immunodeficiency 40. Identifiers: Orphanet 447737, MedGen C4225328, MONDO:0014637, OMIM 616433.

Submission:

Labcorp Genetics (formerly Invitae), Labcorp
Classification: Uncertain significance for DOCK2 deficiency. Last evaluated: 2020-12-06. Review status: criteria provided, single submitter. Criteria: Invitae Variant Classification Sherloc (09022015). Collection method: clinical testing. Allele origin: germline.
Comment: In summary, the available evidence is currently insufficient to determine the role of this variant in disease. Therefore, it has been classified as a Variant of Uncertain Significance. Nucleotide substitutions within the consensus splice site are a relatively common cause of aberrant splicing (PMID: 17576681, 9536098). Algorithms developed to predict the effect of sequence changes on RNA splicing suggest that this variant is not likely to affect RNA splicing, but this prediction has not been confirmed by published transcriptional studies. This variant has not been reported in the literature in individuals with DOCK2-related conditions. This variant is not present in population databases (ExAC no frequency). This sequence change falls in intron 29 of the DOCK2 gene. It does not directly change the encoded amino acid sequence of the DOCK2 protein. It affects a nucleotide within the consensus splice site of the intron.

Literature cited by the submitters: PubMed 17576681; PubMed 9536098.

NM_004946.3(DOCK2):c.2994-3C>T

Gene: DOCK2 (dedicator of cytokinesis 2; plus strand). Cytogenetic location: 5q35.1.
Variant type: single nucleotide variant.
Coding change: c.2994-3C>T on transcript NM_004946.3 (MANE Select); 3 bases into the intron before coding-DNA position 2994, C replaced by T.
Molecular consequence: intron variant.
Genome position (GRCh38, 1-based): chr5:169,996,083, C>T. VCF-style: chr5-169996083-C-T. GRCh37 (hg19) VCF-style: chr5-169423087-C-T.
Identifiers: ClinVar variation 1491831 (VCV001491831.6), dbSNP rs2113798001, ClinGen allele CA2573139394.
Genomic context (GRCh38, chr5:169,996,083, plus strand): 5'-TAAGGACGAAGGAACTTAAGGGATCATGCTCAGACAGTCTGGTAATTTTCTGCCCTCTTC[C>T]AGGGTCTTCCTGAGAGCTATCAACAAGTTTGCAGAAACCATGAACCAGAAGTTCCTAGAA-3'